The following is an entry in ClinVar:

ClinVar aggregate classification (germline): Uncertain significance (1 of 4 stars; one submission).

Conditions:
Familial adenomatous polyposis 1 (FAP1). Also called: POLYPOSIS, ADENOMATOUS INTESTINAL; FAMILIAL ADENOMATOUS POLYPOSIS 1, ATTENUATED. Identifiers: MedGen C2713442, MONDO:0021056, OMIM 175100. Disease mechanism: loss of function.

Submission:

Labcorp Genetics (formerly Invitae), Labcorp
Classification: Uncertain significance for Familial adenomatous polyposis 1. Last evaluated: 2025-03-12. Review status: criteria provided, single submitter. Criteria: Invitae Variant Classification Sherloc (09022015). Collection method: clinical testing. Allele origin: germline.
Comment: This variant occurs in a non-coding region of the APC gene. It does not change the encoded amino acid sequence of the APC protein. This variant is not present in population databases (gnomAD no frequency). This variant has not been reported in the literature in individuals affected with APC-related conditions. Experimental studies and prediction algorithms are not available or were not evaluated, and the functional significance of this variant is currently unknown. In summary, the available evidence is currently insufficient to determine the role of this variant in disease. Therefore, it has been classified as a Variant of Uncertain Significance.

NM_001127511.3(APC):c.-15G>T

Gene: APC (APC regulator of Wnt signaling pathway; plus strand). Cytogenetic location: 5q22.2.
Variant type: single nucleotide variant.
Coding change: c.-15G>T on transcript NM_001127511.3; 15 bases upstream of the start codon, G replaced by T.
Molecular consequence: 5 prime UTR variant. On other transcripts: intron variant (5), non-coding transcript variant (1).
Genome position (GRCh38, 1-based): chr5:112,707,703, G>T. VCF-style: chr5-112707703-G-T. GRCh37 (hg19) VCF-style: chr5-112043400-G-T.
Other names: c.-19+54G>T (NM_001407457.1, NM_001407458.1, NM_001407448.1 and 1 more transcripts); c.-43+54G>T (NM_001407453.1); c.-198G>T (NM_001354895.2, NM_001407447.1, NM_001407452.1 and 3 more transcripts); c.-15G>T (NM_001354897.2, NM_001354902.2, NM_001407446.1); c.-1233G>T (NM_001407470.1, NM_001407472.1).
Identifiers: ClinVar variation 4714987 (VCV004714987.1).